The following is an entry in ClinVar:

ClinVar aggregate classification (germline): Uncertain significance (1 of 4 stars; one submission).

Conditions:
Fanconi anemia (FA). Also called: Fanconi's anemia. Identifiers: Orphanet 84, MedGen C0015625, MeSH D005199, MONDO:0019391.

Submission:

Labcorp Genetics (formerly Invitae), Labcorp
Classification: Uncertain significance for Fanconi anemia. Last evaluated: 2023-03-21. Review status: criteria provided, single submitter. Criteria: Invitae Variant Classification Sherloc (09022015). Collection method: clinical testing. Allele origin: germline.
Comment: In summary, the available evidence is currently insufficient to determine the role of this variant in disease. Therefore, it has been classified as a Variant of Uncertain Significance. An algorithm developed to predict the effect of missense changes on protein structure and function (PolyPhen-2) suggests that this variant is likely to be disruptive. This variant has not been reported in the literature in individuals affected with FANCM-related conditions. This variant is not present in population databases (gnomAD no frequency). This sequence change replaces methionine, which is neutral and non-polar, with arginine, which is basic and polar, at codon 762 of the FANCM protein (p.Met762Arg).

NM_020937.4(FANCM):c.2285T>G (p.Met762Arg)

Gene: FANCM (FA complementation group M; plus strand). Cytogenetic location: 14q21.2.
Variant type: single nucleotide variant.
Coding change: c.2285T>G on transcript NM_020937.4 (MANE Select); coding-DNA position 2285, T replaced by G.
Protein change: p.Met762Arg; replaces methionine 762 with arginine.
Molecular consequence: missense variant.
Genome position (GRCh38, 1-based): chr14:45,173,179, T>G. VCF-style: chr14-45173179-T-G. GRCh37 (hg19) VCF-style: chr14-45642382-T-G.
Other names: c.2207T>G, p.Met736Arg (NM_001308133.2); short protein forms M736R, M762R.
Identifiers: ClinVar variation 2846295 (VCV002846295.3), dbSNP rs1359486439, ClinGen allele CA389596846.